The following is an entry in ClinVar:

ClinVar aggregate classification (germline): Uncertain significance (1 of 4 stars; one submission).

Conditions:
Ariboflavinosis. Identifiers: MedGen C5779638, MONDO:0004573, OMIM 615026.

Submission:

Institute for Clinical Genetics, University Hospital TU Dresden, University Hospital TU Dresden
Classification: Uncertain significance for Ariboflavinosis. Last evaluated: 2019-03-12. Review status: criteria provided, single submitter. Criteria: ACMG Guidelines, 2015. Collection method: clinical testing. Allele origin: maternal. Affected: no.
Comment: The above-mentioned start-loss variant in the SLC52A1 gene (NM_017986.4:c.3G>A, p.(Met1?)) leads to a loss of the start codon (methionine) in the canonical RNA transcript due to a base exchange at position 3 of the cDNA. An alternative in-frame start codon is found at amino acid position 20 in the same exon, so that a reinitiation of translation is likely. Most likely, an N-terminal protein shortened by 19 amino acids, possibly with altered function, would be formed. However, the actual effect of the variant on protein expression has not yet been functionally investigated. The variant has been classified as pathogenic once in the ClinVar database and published in the specialist literature (PMID 37510312), although this is the case presented here. No pathogenic variants upstream of the nearest potential in-frame start codon were reported in the ClinVar database. The variant is not yet listed in the population database gnomAD v4.1.0. According to current ACMG recommendations for variant evaluation (PMIDs 25741868, 30192042), the criteria PVS1_SUP, PM2_SUP are fulfilled, resulting in a formal evaluation as a variant of unclear significance (ACMG class 3).

NM_017986.4(SLC52A1):c.3G>A (p.Met1Ile)

Gene: SLC52A1 (solute carrier family 52 member 1; minus strand). Cytogenetic location: 17p13.2.
Variant type: single nucleotide variant.
Coding change: c.3G>A on transcript NM_017986.4 (MANE Select); coding-DNA position 3, G replaced by A.
Protein change: p.Met1Ile; changes the start codon (methionine 1).
Molecular consequence: missense variant, initiator codon variant.
Genome position (GRCh38, 1-based): chr17:5,034,604, C>T on the plus strand (G>A on the coding strand, the complement: SLC52A1 is on the minus strand). VCF-style: chr17-5034604-C-T. GRCh37 (hg19) VCF-style: chr17-4937899-C-T.
Other names: c.3G>A, p.Met1Ile (NM_001104577.2); short protein forms M1I.
Identifiers: ClinVar variation 1319723 (VCV001319723.5), dbSNP rs2143437310, ClinGen allele CA397334495.